The following is an entry in ClinVar:

NM_014055.4(IFT81):c.1196_1197delinsAG (p.Arg399Gln)

Gene: IFT81 (intraflagellar transport 81; plus strand). Cytogenetic location: 12q24.11.
Variant type: Indel.
Coding change: c.1196_1197delinsAG on transcript NM_014055.4 (MANE Select); coding-DNA positions 1196 to 1197, GA replaced by AG.
Protein change: p.Arg399Gln; replaces arginine 399 with glutamine.
Molecular consequence: missense variant. On other transcripts: non-coding transcript variant (4).
Genome position (GRCh38, 1-based): chr12:110,180,429-110,180,430, GA replaced by AG. VCF-style: chr12-110180429-GA-AG. GRCh37 (hg19) VCF-style: chr12-110618234-GA-AG.
Other names: c.1196_1197delinsAG, p.Arg399Gln (NM_001143779.2); c.266_267delinsAG, p.Arg89Gln (NM_001347947.2, NM_001347948.2); short protein forms R399Q, R89Q.
Identifiers: ClinVar variation 1051238 (VCV001051238.7), dbSNP rs2137516978, ClinGen allele CA2499221427.

ClinVar aggregate classification (germline): Uncertain significance (1 of 4 stars; one submission).

Submission:

Labcorp Genetics (formerly Invitae), Labcorp
Classification: Uncertain significance. Last evaluated: 2022-07-19. Review status: criteria provided, single submitter. Criteria: Invitae Variant Classification Sherloc (09022015). Collection method: clinical testing. Allele origin: germline.
Comment: ClinVar contains an entry for this variant (Variation ID: 1051238). In summary, the available evidence is currently insufficient to determine the role of this variant in disease. Therefore, it has been classified as a Variant of Uncertain Significance. Algorithms developed to predict the effect of sequence changes on RNA splicing suggest that this variant may create or strengthen a splice site. Algorithms developed to predict the effect of missense changes on protein structure and function are either unavailable or do not agree on the potential impact of this missense change (SIFT: "Not Available"; PolyPhen-2: "Benign"; Align-GVGD: "Not Available"). This variant has not been reported in the literature in individuals affected with IFT81-related conditions. The frequency data for this variant in the population databases is considered unreliable, as metrics indicate poor data quality at this position in the gnomAD database. This variant, c.1196_1197delinsAG, is a complex sequence change that results in the deletion of arginine and insertion of glutamine amino acid(s) in the IFT81 protein (p.Arg399Gln).